The following is an entry in ClinVar:

ClinVar aggregate classification (germline): Uncertain significance. Review status: criteria provided, multiple submitters, no conflicts (2 of 4 stars). 3 submissions from 3 submitters: Uncertain significance (3). Last evaluated 2025-07-09.

Conditions:
Inborn genetic diseases. Identifiers: MedGen C0950123, MeSH D030342.

Allele frequency attached by ClinVar (database versions not stated): gnomAD exomes below 0.00001.

Submissions (3):

GeneDx
Classification: Uncertain significance. Last evaluated: 2025-07-09. Review status: criteria provided, single submitter. Criteria: GeneDx Variant Classification Process June 2021. Collection method: clinical testing. Allele origin: germline.
Comment: Not observed at significant frequency in large population cohorts (gnomAD); In silico analysis suggests that this missense variant does not alter protein structure/function; Has not been previously published as pathogenic or benign to our knowledge

Ambry Genetics
Classification: Uncertain significance for Inborn genetic diseases. Last evaluated: 2025-06-09. Review status: criteria provided, single submitter. Criteria: Ambry Variant Classification Scheme 2023. Collection method: clinical testing. Allele origin: germline.

Labcorp Genetics (formerly Invitae), Labcorp
Classification: Uncertain significance. Last evaluated: 2024-06-03. Review status: criteria provided, single submitter. Criteria: Invitae Variant Classification Sherloc (09022015). Collection method: clinical testing. Allele origin: germline.
Comment: This sequence change replaces glycine, which is neutral and non-polar, with arginine, which is basic and polar, at codon 177 of the EBP protein (p.Gly177Arg). This variant is not present in population databases (gnomAD no frequency). This variant has not been reported in the literature in individuals affected with EBP-related conditions. ClinVar contains an entry for this variant (Variation ID: 1702717). Advanced modeling of protein sequence and biophysical properties (such as structural, functional, and spatial information, amino acid conservation, physicochemical variation, residue mobility, and thermodynamic stability) performed at Invitae indicates that this missense variant is expected to disrupt EBP protein function with a positive predictive value of 80%. In summary, the available evidence is currently insufficient to determine the role of this variant in disease. Therefore, it has been classified as a Variant of Uncertain Significance.

NM_006579.3(EBP):c.529G>A (p.Gly177Arg)

Gene: EBP (EBP cholestenol delta-isomerase; plus strand). Cytogenetic location: Xp11.23.
Variant type: single nucleotide variant.
Coding change: c.529G>A on transcript NM_006579.3 (MANE Select); coding-DNA position 529, G replaced by A.
Protein change: p.Gly177Arg; replaces glycine 177 with arginine.
Molecular consequence: missense variant.
Genome position (GRCh38, 1-based): chrX:48,528,293, G>A. VCF-style: chrX-48528293-G-A. GRCh37 (hg19) VCF-style: chrX-48386681-G-A.
Other names: short protein forms G177R.
Identifiers: ClinVar variation 1702717 (VCV001702717.6), dbSNP rs2147157041, ClinGen allele CA412852943.